The following is an entry in ClinVar:

NM_001376.5(DYNC1H1):c.7275G>A (p.Pro2425=)

Gene: DYNC1H1 (dynein cytoplasmic 1 heavy chain 1; plus strand). Cytogenetic location: 14q32.31.
Variant type: single nucleotide variant.
Coding change: c.7275G>A on transcript NM_001376.5 (MANE Select); coding-DNA position 7275, G replaced by A.
Protein change: p.Pro2425=; no amino-acid change (proline 2425 retained).
Molecular consequence: synonymous variant.
Genome position (GRCh38, 1-based): chr14:102,015,888, G>A. VCF-style: chr14-102015888-G-A. GRCh37 (hg19) VCF-style: chr14-102482225-G-A.
Identifiers: ClinVar variation 472549 (VCV000472549.20), dbSNP rs141665695, ClinGen allele CA7352786.

ClinVar aggregate classification (germline): Likely benign. Review status: criteria provided, multiple submitters, no conflicts (2 of 4 stars). 4 submissions from 4 submitters: Likely benign (4). Last evaluated 2026-01-21.

Conditions:
DYNC1H1-related disorder. Also called: DYNC1H1-related condition; DYNC1H1-related disorders. Identifiers: MedGen CN381529.
Inborn genetic diseases. Identifiers: MedGen C0950123, MeSH D030342.
Charcot-Marie-Tooth disease axonal type 2O. Also called: Charcot-Marie-Tooth disease, axonal, type 20; CHARCOT-MARIE-TOOTH NEUROPATHY, AXONAL, TYPE 2O; CHARCOT-MARIE-TOOTH DISEASE, AXONAL, AUTOSOMAL DOMINANT, TYPE 2O; Charcot-Marie-Tooth Neuropathy Type 2O. Identifiers: Orphanet 284232, MedGen C3280220, MONDO:0013644, OMIM 614228.

Allele frequency attached by ClinVar (database versions not stated): ExAC 0.00008; gnomAD exomes 0.00009; gnomAD 0.00010; TOPMed 0.00010; ESP Exome Variant Server 0.00015.
gnomAD v4.1: 458 of 1,614,092 alleles (0.028%); highest among the groups gnomAD compares: Non-Finnish European, 0.036%; no homozygotes.

Submissions (4):

Labcorp Genetics (formerly Invitae), Labcorp
Classification: Likely benign for Charcot-Marie-Tooth disease axonal type 2O. Last evaluated: 2026-01-21. Review status: criteria provided, single submitter. Criteria: Invitae Variant Classification Sherloc (09022015). Collection method: clinical testing. Allele origin: germline.

PreventionGenetics, part of Exact Sciences
Classification: Likely benign for DYNC1H1-related condition. Last evaluated: 2025-06-24. Review status: criteria provided, single submitter. Criteria: ACMG Guidelines, 2015. Collection method: clinical testing. Allele origin: germline.
Comment: This variant is classified as likely benign based on ACMG/AMP sequence variant interpretation guidelines (Richards et al. 2015 PMID: 25741868, with internal and published modifications).

GeneDx
Classification: Likely benign. Last evaluated: 2020-10-24. Review status: criteria provided, single submitter. Criteria: GeneDx Variant Classification Process June 2021. Collection method: clinical testing. Allele origin: germline. Affected: yes.

Ambry Genetics
Classification: Likely benign for Inborn genetic diseases. Last evaluated: 2017-01-26. Review status: criteria provided, single submitter. Criteria: Ambry Variant Classification Scheme 2023. Collection method: clinical testing. Allele origin: germline.